The following is an entry in ClinVar:

ClinVar aggregate classification (germline): Conflicting classifications of pathogenicity. Review status: criteria provided, conflicting classifications (1 of 4 stars). 2 submissions from 2 submitters: Uncertain significance (1); Likely benign (1). Last evaluated 2025-10-15.

Conditions:
Multiple endocrine neoplasia, type 2 (MEN2). Identifiers: Orphanet 653, MedGen C4048306, MONDO:0019003. Disease mechanism: gain of function.
Hereditary cancer-predisposing syndrome. Also called: Tumor predisposition; Hereditary Cancer Syndrome; Hereditary neoplastic syndrome; Neoplastic Syndromes, Hereditary. Identifiers: Orphanet 140162, MedGen C0027672, MeSH D009386, MONDO:0015356.

Allele frequency attached by ClinVar (database versions not stated): gnomAD exomes below 0.00001 and 0.00001; TOPMed 0.00001.
gnomAD v4.1: 11 of 1,614,172 alleles (0.00068%); highest among the groups gnomAD compares: Non-Finnish European, 0.00093%; no homozygotes.

Submissions (2):

Ambry Genetics
Classification: Likely benign for Hereditary cancer-predisposing syndrome. Last evaluated: 2025-10-15. Review status: criteria provided, single submitter. Criteria: Ambry Variant Classification Scheme 2023. Collection method: clinical testing. Allele origin: germline.

Labcorp Genetics (formerly Invitae), Labcorp
Classification: Uncertain significance for Multiple endocrine neoplasia, type 2. Last evaluated: 2023-10-11. Review status: criteria provided, single submitter. Criteria: Invitae Variant Classification Sherloc (09022015). Collection method: clinical testing. Allele origin: germline.
Comment: This sequence change replaces phenylalanine, which is neutral and non-polar, with leucine, which is neutral and non-polar, at codon 185 of the RET protein (p.Phe185Leu). This variant is present in population databases (no rsID available, gnomAD 0.0009%). This variant has not been reported in the literature in individuals affected with RET-related conditions. ClinVar contains an entry for this variant (Variation ID: 486302). An algorithm developed to predict the effect of missense changes on protein structure and function (PolyPhen-2) suggests that this variant is likely to be disruptive. In summary, the available evidence is currently insufficient to determine the role of this variant in disease. Therefore, it has been classified as a Variant of Uncertain Significance.

NM_020975.6(RET):c.553T>C (p.Phe185Leu)

Gene: RET (ret proto-oncogene; plus strand). Cytogenetic location: 10q11.21.
Variant type: single nucleotide variant.
Coding change: c.553T>C on transcript NM_020975.6 (MANE Select); coding-DNA position 553, T replaced by C.
Protein change: p.Phe185Leu; replaces phenylalanine 185 with leucine.
Molecular consequence: missense variant.
Genome position (GRCh38, 1-based): chr10:43,102,557, T>C. VCF-style: chr10-43102557-T-C. GRCh37 (hg19) VCF-style: chr10-43598005-T-C.
Other names: c.553T>C, p.Phe185Leu (NM_000323.2, NM_001406743.1, NM_001406744.1 and 16 more transcripts); c.424T>C, p.Phe142Leu (NM_001406761.1, NM_001406762.1, NM_001406764.1 and 4 more transcripts); short protein forms F185L, F142L.
Identifiers: ClinVar variation 486302 (VCV000486302.16), dbSNP rs1048022444, ClinGen allele CA206256167.